The following is an entry in ClinVar:

NM_006885.4(ZFHX3):c.10098dup (p.Tyr3367fs)

Genes: ZFHX3 (zinc finger homeobox 3; minus strand), ZFHX3-AS1 (ZFHX3 antisense RNA 1; plus strand). Cytogenetic location: 16q22.2.
Variant type: Duplication.
Coding change: c.10098dup on transcript NM_006885.4 (MANE Select); coding-DNA position 10098, one base duplicated (A; older notation c.10098dupA).
Protein change: p.Tyr3367fs; shifts the reading frame from tyrosine 3367.
Molecular consequence: frameshift variant.
Genome position (GRCh38, 1-based): chr16:72,788,178, T duplicated on the plus strand (A on the coding strand, the reverse complement: ZFHX3 is on the minus strand); the first of 2 consecutive T bases (chr16:72,788,178-72,788,179); duplicating either gives the same sequence. VCF-style (leftmost placement, unchanged base first): chr16-72788177-A-AT. GRCh37 (hg19) VCF-style: chr16-72822076-A-AT.
Other names: c.7356dup, p.Tyr2453fs (NM_001164766.2); c.10098dup, p.Tyr3367fs (NM_001386735.1); short protein forms Y2453fs, Y3367fs.
Identifiers: ClinVar variation 3391664 (VCV003391664.1).

ClinVar aggregate classification (germline): Uncertain significance (1 of 4 stars; one submission).

Submission:

GeneDx
Classification: Uncertain significance. Last evaluated: 2024-06-13. Review status: criteria provided, single submitter. Criteria: GeneDx Variant Classification Process June 2021. Collection method: clinical testing. Allele origin: germline. Affected: yes.
Comment: Not observed at significant frequency in large population cohorts (gnomAD); Frameshift variant predicted to result in abnormal protein length as the last 337 amino acids are replaced with 63 different amino acids; Has not been previously published as pathogenic or benign to our knowledge